The following is an entry in ClinVar:

NM_173495.3(PTCHD1):c.316A>T (p.Met106Leu)

Gene: PTCHD1 (patched domain containing 1; plus strand). Cytogenetic location: Xp22.11.
Variant type: single nucleotide variant.
Coding change: c.316A>T on transcript NM_173495.3 (MANE Select); coding-DNA position 316, A replaced by T.
Protein change: p.Met106Leu; replaces methionine 106 with leucine.
Molecular consequence: missense variant.
Genome position (GRCh38, 1-based): chrX:23,335,191, A>T. VCF-style: chrX-23335191-A-T. GRCh37 (hg19) VCF-style: chrX-23353308-A-T.
Other names: short protein forms M106L.
Identifiers: ClinVar variation 2576763 (VCV002576763.3), dbSNP rs750197808, ClinGen allele CA327629735.
Genomic context (GRCh38, chrX:23,335,191, plus strand): 5'-GACCTGCAGACCCCCGGGCGCTACGGCCGGGTCATCGTCACCTCCTTCCAGAAAGCCAAC[A>T]TGCTGGACCAGCATCACACCGACCTGATCTTAAAGGTGAGAGGGGACGGGTGCGGGCAGA-3'
Protein context (NP_775766.2, residues 96-116): VIVTSFQKAN[Met106Leu]LDQHHTDLIL

ClinVar aggregate classification (germline): Likely benign. Review status: criteria provided, multiple submitters, no conflicts (2 of 4 stars). 2 submissions from 2 submitters: Likely benign (2). Last evaluated 2024-07-09.

Conditions:
Inborn genetic diseases. Identifiers: MedGen C0950123, MeSH D030342.

Allele frequency attached by ClinVar (database versions not stated): gnomAD exomes below 0.00001; gnomAD 0.00004; TOPMed 0.00004.

Submissions (2):

GeneDx
Classification: Likely benign. Last evaluated: 2024-07-09. Review status: criteria provided, single submitter. Criteria: GeneDx Variant Classification Process June 2021. Collection method: clinical testing. Allele origin: germline.
Comment: See Variant Classification Assertion Criteria.

Ambry Genetics
Classification: Likely benign for Inborn genetic diseases. Last evaluated: 2023-10-26. Review status: criteria provided, single submitter. Criteria: Ambry Variant Classification Scheme 2023. Collection method: clinical testing. Allele origin: germline.